The following is an entry in ClinVar:

ClinVar aggregate classification (germline): Likely pathogenic. Review status: criteria provided, multiple submitters, no conflicts (2 of 4 stars). 2 submissions from 2 submitters: Likely pathogenic (2). Last evaluated 2024-04-01.

Conditions:
Cardiac malformation, cleft lip/palate, microcephaly, and digital anomalies. Also called: CLEFT PALATE, CARDIAC DEFECTS, AND IMPAIRED INTELLECTUAL DEVELOPMENT. Identifiers: MedGen C1832950, MONDO:0010970, OMIM 600987.

Submissions (2):

Daryl Scott Lab, Baylor College of Medicine
Classification: Likely pathogenic for Cardiac malformation, cleft lip/palate, microcephaly, and digital anomalies. Last evaluated: 2024-04-01. Review status: criteria provided, single submitter. Criteria: ACMG Guidelines, 2015. Collection method: clinical testing. Allele origin: unknown. Observed: 1 heterozygote.
Comment: PVS1, PM2

Baylor Genetics
Classification: Likely pathogenic for Cardiac malformation, cleft lip/palate, microcephaly, and digital anomalies. Last evaluated: 2022-04-04. Review status: criteria provided, single submitter. Criteria: ACMG Guidelines, 2015. Collection method: clinical testing. Allele origin: unknown.

NM_170675.5(MEIS2):c.777_781del (p.Ala260fs)

Gene: MEIS2 (Meis homeobox 2; minus strand). Cytogenetic location: 15q14.
Variant type: Deletion.
Coding change: c.777_781del on transcript NM_170675.5 (MANE Select); coding-DNA positions 777 to 781, 5 bases deleted (AGCTT; older notation c.777_781delAGCTT).
Protein change: p.Ala260fs; shifts the reading frame from alanine 260.
Molecular consequence: frameshift variant. On other transcripts: non-coding transcript variant (1).
Genome position (GRCh38, 1-based): chr15:37,036,933-37,036,937, AAGCT deleted on the plus strand (AGCTT on the coding strand, the reverse complement: MEIS2 is on the minus strand); deleting any 5 consecutive bases within chr15:37,036,933-37,036,938 gives the same sequence; the c. name uses the placement nearest the transcript's 3' end. VCF-style (leftmost placement, unchanged base first): chr15-37036932-GAAGCT-G. GRCh37 (hg19) VCF-style: chr15-37329133-GAAGCT-G.
Other names: c.777_781del, p.Ala260fs (NM_001220482.2, NM_170674.5, NM_170676.5 and 1 more transcripts); c.738_742del, p.Ala247fs (NM_002399.4, NM_172315.3); c.513_517del, p.Ala172fs (NM_172316.3); short protein forms A172fs, A247fs, A260fs.
Identifiers: ClinVar variation 2442198 (VCV002442198.2), dbSNP rs2504981401, ClinGen allele CA2580089293.